The following is an entry in ClinVar:

ClinVar aggregate classification (germline): Uncertain significance. Review status: criteria provided, multiple submitters, no conflicts (2 of 4 stars). 2 submissions from 2 submitters: Uncertain significance (2). Last evaluated 2026-03-01.

Conditions:
Inborn genetic diseases. Identifiers: MedGen C0950123, MeSH D030342.

gnomAD v4.1: 10 of 1,613,792 alleles (0.00062%); highest among the groups gnomAD compares: Admixed American, 0.0083%; no homozygotes.

Submissions (2):

CeGaT Center for Human Genetics Tuebingen
Classification: Uncertain significance. Last evaluated: 2026-03-01. Review status: criteria provided, single submitter. Criteria: CeGaT Center For Human Genetics Tuebingen Variant Classification Criteria Version 2. Collection method: clinical testing. Allele origin: germline. Affected: yes. Observed: 1 variant allele.
Comment: HERC2: PM2

Ambry Genetics
Classification: Uncertain significance for Inborn genetic diseases. Last evaluated: 2024-12-02. Review status: criteria provided, single submitter. Criteria: Ambry Variant Classification Scheme 2023. Collection method: clinical testing. Allele origin: germline.

NM_004667.6(HERC2):c.1178C>T (p.Ala393Val)

Gene: HERC2 (HECT and RLD domain containing E3 ubiquitin protein ligase 2; minus strand). Cytogenetic location: 15q13.1.
Variant type: single nucleotide variant.
Coding change: c.1178C>T on transcript NM_004667.6 (MANE Select); coding-DNA position 1178, C replaced by T.
Protein change: p.Ala393Val; replaces alanine 393 with valine.
Molecular consequence: missense variant.
Genome position (GRCh38, 1-based): chr15:28,270,774, G>A on the plus strand (C>T on the coding strand, the complement: HERC2 is on the minus strand). VCF-style: chr15-28270774-G-A. GRCh37 (hg19) VCF-style: chr15-28515920-G-A.
Other names: short protein forms A393V.
Identifiers: ClinVar variation 3525146 (VCV003525146.5).